The following is an entry in ClinVar:

ClinVar aggregate classification (germline): Uncertain significance (1 of 4 stars; one submission).

Submission:

Ambry Genetics
Classification: Uncertain significance. Last evaluated: 2025-10-09. Review status: criteria provided, single submitter. Criteria: Ambry Variant Classification Scheme 2023. Collection method: clinical testing. Allele origin: germline.
Comment: The p.A121V variant (also known as c.362C>T), located in coding exon 1 of the EGLN1 gene, results from a C to T substitution at nucleotide position 362. The alanine at codon 121 is replaced by valine, an amino acid with similar properties. This amino acid position is conserved. In addition, this alteration is predicted to be tolerated by in silico analysis. Since supporting evidence is limited at this time, the clinical significance of this alteration remains unclear.

NM_022051.3(EGLN1):c.362C>T (p.Ala121Val)

Gene: EGLN1 (egl-9 family hypoxia inducible factor 1; minus strand). Cytogenetic location: 1q42.2.
Variant type: single nucleotide variant.
Coding change: c.362C>T on transcript NM_022051.3 (MANE Select); coding-DNA position 362, C replaced by T.
Protein change: p.Ala121Val; replaces alanine 121 with valine.
Molecular consequence: missense variant.
Genome position (GRCh38, 1-based): chr1:231,421,527, G>A on the plus strand (C>T on the coding strand, the complement: EGLN1 is on the minus strand). VCF-style: chr1-231421527-G-A. GRCh37 (hg19) VCF-style: chr1-231557273-G-A.
Other names: c.362C>T, p.Ala121Val (NM_001377260.1, NM_001377261.1); short protein forms A121V.
Identifiers: ClinVar variation 2626701 (VCV002626701.3), dbSNP rs1312410428, ClinGen allele CA345237465.